The following is an entry in ClinVar:

NC_012920.1(MT-ND5):m.12631T>C

Gene: MT-ND5 (mitochondrially encoded NADH dehydrogenase 5; plus strand).
Variant type: single nucleotide variant.
Genome position: chrM-12631-T-C.
Identifiers: ClinVar variation 693471 (VCV000693471.1), dbSNP rs1603223847, ClinGen allele CA414814101.

ClinVar aggregate classification (germline): Uncertain significance (1 of 4 stars; one submission).

Conditions:
Leigh syndrome (NULS). Also called: Leigh's necrotizing encephalopathy; Leigh's disease; Leigh Syndrome (mtDNA deletion); Leigh Disease; Subacute necrotizing encephalopathy; Necrotizing encephalopathy infantile subacute of Leigh. Identifiers: Orphanet 506, MedGen C2931891, MONDO:0009723, OMIM 256000.

Submission:

Wong Mito Lab, Molecular and Human Genetics, Baylor College of Medicine
Classification: Uncertain significance for Leigh syndrome. Last evaluated: 2019-10-17. Review status: criteria provided, single submitter. Criteria: Modified ACMG Guidelines (Unpublished). Collection method: clinical testing. Allele origin: germline.
Comment: The NC_012920.1:m.12631T>C (YP_003024036.1:p.Ser99Pro) variant in MTND5 gene is interpretated to be a Uncertain Significance variant based on the modified ACMG guidelines (unpublished). This variant meets the following evidence codes: no criteria